The following is an entry in ClinVar:

ClinVar aggregate classification (germline): Uncertain significance (1 of 4 stars; one submission).

Allele frequency attached by ClinVar (database versions not stated): gnomAD exomes 0.00001.
gnomAD v4.1: 19 of 1,613,446 alleles (0.0012%); highest among the groups gnomAD compares: Non-Finnish European, 0.0016%; no homozygotes.

Submission:

Labcorp Genetics (formerly Invitae), Labcorp
Classification: Uncertain significance. Last evaluated: 2024-02-17. Review status: criteria provided, single submitter. Criteria: Invitae Variant Classification Sherloc (09022015). Collection method: clinical testing. Allele origin: germline.
Comment: This sequence change replaces leucine, which is neutral and non-polar, with proline, which is neutral and non-polar, at codon 130 of the A2ML1 protein (p.Leu130Pro). This variant is not present in population databases (gnomAD no frequency). This variant has not been reported in the literature in individuals affected with A2ML1-related conditions. ClinVar contains an entry for this variant (Variation ID: 1006060). An algorithm developed to predict the effect of missense changes on protein structure and function (PolyPhen-2) suggests that this variant is likely to be disruptive. In summary, the available evidence is currently insufficient to determine the role of this variant in disease. Therefore, it has been classified as a Variant of Uncertain Significance.

NM_144670.6(A2ML1):c.389T>C (p.Leu130Pro)

Genes: A2ML1 (alpha-2-macroglobulin like 1; plus strand), A2ML1-AS1 (A2ML1 antisense RNA 1; minus strand). Cytogenetic location: 12p13.31.
Variant type: single nucleotide variant.
Coding change: c.389T>C on transcript NM_144670.6 (MANE Select); coding-DNA position 389, T replaced by C.
Protein change: p.Leu130Pro; replaces leucine 130 with proline.
Molecular consequence: missense variant.
Genome position (GRCh38, 1-based): chr12:8,823,862, T>C. VCF-style: chr12-8823862-T-C. GRCh37 (hg19) VCF-style: chr12-8976458-T-C.
Other names: short protein forms L130P.
Identifiers: ClinVar variation 1006060 (VCV001006060.10), dbSNP rs1942832495, ClinGen allele CA383819411.